The following is an entry in ClinVar:

NM_002878.4(RAD51D):c.106C>G (p.Leu36Val)

Genes: RAD51D (RAD51 paralog D; minus strand), RAD51L3-RFFL (RAD51L3-RFFL readthrough; minus strand). Cytogenetic location: 17q12.
Variant type: single nucleotide variant.
Coding change: c.106C>G on transcript NM_002878.4 (MANE Select); coding-DNA position 106, C replaced by G.
Protein change: p.Leu36Val; replaces leucine 36 with valine.
Molecular consequence: missense variant. On other transcripts: non-coding transcript variant (2).
Genome position (GRCh38, 1-based): chr17:35,119,149, G>C on the plus strand (C>G on the coding strand, the complement: RAD51D is on the minus strand). VCF-style: chr17-35119149-G-C. GRCh37 (hg19) VCF-style: chr17-33446168-G-C.
Other names: c.106C>G, p.Leu36Val (NM_001142571.2, NM_133629.3); short protein forms L36V.
Identifiers: ClinVar variation 822108 (VCV000822108.12), dbSNP rs1597877703, ClinGen allele CA399091934.

ClinVar aggregate classification (germline): Uncertain significance. Review status: criteria provided, multiple submitters, no conflicts (2 of 4 stars). 2 submissions from 2 submitters: Uncertain significance (2). Last evaluated 2024-07-11.

Conditions:
Hereditary cancer-predisposing syndrome. Also called: Tumor predisposition; Hereditary Cancer Syndrome; Neoplastic Syndromes, Hereditary; Hereditary neoplastic syndrome. Identifiers: Orphanet 140162, MedGen C0027672, MeSH D009386, MONDO:0015356.
Breast-ovarian cancer, familial, susceptibility to, 4. Identifiers: Orphanet 145, MedGen C3280345, MONDO:0013669, OMIM 614291.

Submissions (2):

Labcorp Genetics (formerly Invitae), Labcorp
Classification: Uncertain significance for Breast-ovarian cancer, familial, susceptibility to, 4. Last evaluated: 2024-07-11. Review status: criteria provided, single submitter. Criteria: Invitae Variant Classification Sherloc (09022015). Collection method: clinical testing. Allele origin: germline.
Comment: This sequence change replaces leucine, which is neutral and non-polar, with valine, which is neutral and non-polar, at codon 36 of the RAD51D protein (p.Leu36Val). This variant is not present in population databases (gnomAD no frequency). This variant has not been reported in the literature in individuals affected with RAD51D-related conditions. ClinVar contains an entry for this variant (Variation ID: 822108). An algorithm developed to predict the effect of missense changes on protein structure and function (PolyPhen-2) suggests that this variant is likely to be tolerated. In summary, the available evidence is currently insufficient to determine the role of this variant in disease. Therefore, it has been classified as a Variant of Uncertain Significance.

Ambry Genetics
Classification: Uncertain significance for Hereditary cancer-predisposing syndrome. Last evaluated: 2019-05-08. Review status: criteria provided, single submitter. Criteria: Ambry Variant Classification Scheme 2023. Collection method: clinical testing. Allele origin: germline.
Comment: The p.L36V variant (also known as c.106C>G), located in coding exon 2 of the RAD51D gene, results from a C to G substitution at nucleotide position 106. The leucine at codon 36 is replaced by valine, an amino acid with highly similar properties. This amino acid position is well conserved in available vertebrate species. In addition, this alteration is predicted to be tolerated by in silico analysis. Since supporting evidence is limited at this time, the clinical significance of this alteration remains unclear.